The following is an entry in ClinVar:

NM_013275.6(ANKRD11):c.4880C>T (p.Ala1627Val)

Gene: ANKRD11 (ankyrin repeat domain 11; minus strand). Cytogenetic location: 16q24.3.
Variant type: single nucleotide variant.
Coding change: c.4880C>T on transcript NM_013275.6 (MANE Select); coding-DNA position 4880, C replaced by T.
Protein change: p.Ala1627Val; replaces alanine 1627 with valine.
Molecular consequence: missense variant.
Genome position (GRCh38, 1-based): chr16:89,281,662, G>A on the plus strand (C>T on the coding strand, the complement: ANKRD11 is on the minus strand). VCF-style: chr16-89281662-G-A. GRCh37 (hg19) VCF-style: chr16-89348070-G-A.
Other names: c.4880C>T, p.Ala1627Val (NM_001256182.2, NM_001256183.2); short protein forms A1627V.
Identifiers: ClinVar variation 932103 (VCV000932103.3), dbSNP rs2034262314, ClinGen allele CA397156561.
Genomic context (GRCh38, chr16:89,281,662, plus strand): 5'-GGGTCCAGCCCCGGCGGTTTCTTAGCAGGAATGTCCAGACCCTTCTTCCGCCCGTCGTCT[G>A]CCGGCTTCGCCTTCTCCTTGAGCTTGGGGTCTCCGGACCGGTGCCTCAGCTTCTCCATTT-3'
Protein context (NP_037407.4, residues 1617-1637): DPKLKEKAKP[Ala1627Val]DDGRKKGLDI

ClinVar aggregate classification (germline): Uncertain significance (1 of 4 stars; one submission).

Conditions:
KBG syndrome (KBGS). Also called: ANKRD11-Related KBG Syndrome. Identifiers: Orphanet 2332, MedGen C0220687, MONDO:0007846, OMIM 148050.

Submission:

Centre for Mendelian Genomics, University Medical Centre Ljubljana
Classification: Uncertain significance for KBG syndrome. Last evaluated: 2019-06-11. Review status: criteria provided, single submitter. Criteria: ACMG Guidelines, 2015. Collection method: clinical testing. Allele origin: unknown. Affected: yes.
Comment: This variant was classified as: Uncertain significance. The available evidence on this variant's pathogenicity is insufficient or conflicting. The following ACMG criteria were applied in classifying this variant: PM2,BP1.